The following is an entry in ClinVar:

NM_005902.4(SMAD3):c.663_664insGGA (p.Leu221_Gln222insGly)

Gene: SMAD3 (SMAD family member 3; plus strand). Cytogenetic location: 15q22.33.
Variant type: Insertion.
Coding change: c.663_664insGGA on transcript NM_005902.4 (MANE Select); coding-DNA positions 663 to 664, GGA inserted.
Protein change: p.Leu221_Gln222insGly.
Molecular consequence: inframe insertion.
Genome position: GRCh38 VCF-style: chr15-67181245-G-GGGA. GRCh37 (hg19) VCF-style: chr15-67473583-G-GGGA.
Other names: c.348_349insGGA, p.Leu116_Gln117insGly (NM_001145102.2, NM_001407016.1); c.531_532insGGA, p.Leu177_Gln178insGly (NM_001145103.2, NM_001407012.1); c.78_79insGGA, p.Leu26_Gln27insGly (NM_001145104.2, NM_001407017.1); c.663_664insGGA, p.Leu221_Gln222insGly (NM_001407011.1, NM_001407013.1); c.516_517insGGA, p.Leu172_Gln173insGly (NM_001407014.1); c.216_217insGGA, p.Leu72_Gln73insGly (NM_001407015.1).
Identifiers: ClinVar variation 3070769 (VCV003070769.1), dbSNP rs2505282834, ClinGen allele CA2825002296.
Genomic context (GRCh38, chr15:67,181,245, plus strand): 5'-AGGGAGCATGGGGCTTGGGACACCCAATGACCCAGTAGCCCACCCTGTGTCCACAGACCT[G>GGGA]CAGCCAGTTACCTACTGCGAGCCGGCCTTCTGGTGCTCCATCTCCTACTACGAGCTGAAC-3'

ClinVar aggregate classification (germline): Uncertain significance (1 of 4 stars; one submission).

Conditions:
Aneurysm-osteoarthritis syndrome. Also called: SMAD3-Related Loeys-Dietz Syndrome; ANEURYSMS-OSTEOARTHRITIS SYNDROME; Loeys-Dietz syndrome, type 1C; LOEYS-DIETZ SYNDROME WITH OSTEOARTHRITIS. Identifiers: Orphanet 284984, MedGen C3151087, MONDO:0013426, OMIM 613795.

Submission:

All of Us Research Program, National Institutes of Health
Classification: Uncertain significance for Aneurysm-osteoarthritis syndrome. Last evaluated: 2023-05-04. Review status: criteria provided, single submitter. Criteria: ACMG Guidelines, 2015. Collection method: clinical testing. Allele origin: germline. Inheritance: Autosomal dominant inheritance. Observed: 1 variant allele, 1 heterozygote.
Comment: This variant causes an in-frame insertion of one amino acid of the SMAD3 protein. To our knowledge, functional studies have not been reported for this variant. This variant has not been reported in individuals affected with SMAD3-related disorders in the literature. This variant has not been identified in the general population by the Genome Aggregation Database (gnomAD). The available evidence is insufficient to determine the role of this variant in disease conclusively. Therefore, this variant is classified as a Variant of Uncertain Significance.

This study involves interpretation of variants in research participants for the purpose of population health screening. Participant phenotype was not available at the time of variant classification. Additional details can be found in publication PMID: 35346344, PMCID: PMC8962531